The following is an entry in ClinVar:

ClinVar aggregate classification (germline): Benign/Likely benign. Review status: criteria provided, multiple submitters, no conflicts (2 of 4 stars). 4 submissions from 4 submitters: Benign (1); Likely benign (3). Last evaluated 2026-01-04.

Conditions:
Hereditary cancer-predisposing syndrome. Also called: Neoplastic Syndromes, Hereditary; Tumor predisposition; Hereditary Cancer Syndrome; Hereditary neoplastic syndrome. Identifiers: Orphanet 140162, MedGen C0027672, MeSH D009386, MONDO:0015356.
Familial cancer of breast. Also called: BREAST CANCER, FAMILIAL; hereditary breast carcinoma; Hereditary breast cancer. Identifiers: Orphanet 227535, MedGen C0346153, MONDO:0016419, OMIM 114480. Disease mechanism: loss of function.

Allele frequency attached by ClinVar (database versions not stated): gnomAD exomes below 0.00001 and 0.00001; TOPMed 0.00001; ExAC 0.00002.

Submissions (4):

Labcorp Genetics (formerly Invitae), Labcorp
Classification: Likely benign for Familial cancer of breast. Last evaluated: 2026-01-04. Review status: criteria provided, single submitter. Criteria: Invitae Variant Classification Sherloc (09022015). Collection method: clinical testing. Allele origin: germline.

Myriad Genetics, Inc.
Classification: Benign for Familial cancer of breast. Last evaluated: 2024-10-02. Review status: criteria provided, single submitter. Criteria: Myriad Autosomal Dominant, Autosomal Recessive and X-Linked Classification Criteria (2023). Collection method: clinical testing. Allele origin: unknown.
Comment: This variant is considered benign. This variant is a silent/synonymous amino acid change and it is not expected to impact splicing.

Color Diagnostics, LLC DBA Color Health
Classification: Likely benign for Hereditary cancer-predisposing syndrome. Last evaluated: 2018-10-02. Review status: criteria provided, single submitter. Criteria: ACMG Guidelines, 2015. Collection method: clinical testing. Allele origin: germline.

Ambry Genetics
Classification: Likely benign for Hereditary cancer-predisposing syndrome. Last evaluated: 2018-06-15. Review status: criteria provided, single submitter. Criteria: Ambry Variant Classification Scheme 2023. Collection method: clinical testing. Allele origin: germline.

NM_007194.4(CHEK2):c.384A>G (p.Pro128=)

Gene: CHEK2 (checkpoint kinase 2; minus strand). Cytogenetic location: 22q12.1.
Variant type: single nucleotide variant.
Coding change: c.384A>G on transcript NM_007194.4 (MANE Select); coding-DNA position 384, A replaced by G.
Protein change: p.Pro128=; no amino-acid change (proline 128 retained).
Molecular consequence: synonymous variant.
Genome position (GRCh38, 1-based): chr22:28,725,303, T>C on the plus strand (A>G on the coding strand, the complement: CHEK2 is on the minus strand). VCF-style: chr22-28725303-T-C. GRCh37 (hg19) VCF-style: chr22-29121291-T-C.
Other names: c.513A>G, p.Pro171= (NM_001005735.3); c.-394A>G (NM_001257387.3); c.384A>G, p.Pro128= (NM_001349956.3, NM_145862.3).
Identifiers: ClinVar variation 460829 (VCV000460829.17), dbSNP rs766409666, ClinGen allele CA10168010.